The following is an entry in ClinVar:

NM_001458.5(FLNC):c.4061G>C (p.Arg1354Pro)

Gene: FLNC (filamin C; plus strand). Cytogenetic location: 7q32.1.
Variant type: single nucleotide variant.
Coding change: c.4061G>C on transcript NM_001458.5 (MANE Select); coding-DNA position 4061, G replaced by C.
Protein change: p.Arg1354Pro; replaces arginine 1354 with proline.
Molecular consequence: missense variant.
Genome position (GRCh38, 1-based): chr7:128,846,397, G>C. VCF-style: chr7-128846397-G-C. GRCh37 (hg19) VCF-style: chr7-128486451-G-C.
Other names: c.4061G>C, p.Arg1354Pro (NM_001127487.2); short protein forms R1354P.
Identifiers: ClinVar variation 4258291 (VCV004258291.1).
Genomic context (GRCh38, chr7:128,846,397, plus strand): 5'-CTGTGCCCAAGAGCCCCTTCCGAGTGGGCGTGACCGAGGGCTGTGATCCCACCCGCGTCC[G>C]AGCCTTCGGGCCAGGCCTGGAGGGTGGCTTGGTCAACAAGGCCAACCGATTCACTGTGGA-3'
Protein context (NP_001449.3, residues 1344-1364): VTEGCDPTRV[Arg1354Pro]AFGPGLEGGL

ClinVar aggregate classification (germline): Uncertain significance (1 of 4 stars; one submission).

Conditions:
Cardiovascular phenotype. Identifiers: MedGen CN230736.

Submission:

Ambry Genetics
Classification: Uncertain significance for Cardiovascular phenotype. Last evaluated: 2025-09-08. Review status: criteria provided, single submitter. Criteria: Ambry Variant Classification Scheme 2023. Collection method: clinical testing. Allele origin: germline.
Comment: The p.R1354P variant (also known as c.4061G>C), located in coding exon 23 of the FLNC gene, results from a G to C substitution at nucleotide position 4061. The arginine at codon 1354 is replaced by proline, an amino acid with dissimilar properties. This amino acid position is highly conserved in available vertebrate species. In addition, this alteration is predicted to be deleterious by in silico analysis. Based on the available evidence, the clinical significance of this variant remains unclear.